The following is an entry in ClinVar:

NM_000044.6(AR):c.1793G>C (p.Ser598Thr)

Gene: AR (androgen receptor; plus strand). Cytogenetic location: Xq12.
Variant type: single nucleotide variant.
Coding change: c.1793G>C on transcript NM_000044.6 (MANE Select); coding-DNA position 1793, G replaced by C.
Protein change: p.Ser598Thr; replaces serine 598 with threonine.
Molecular consequence: missense variant.
Genome position (GRCh38, 1-based): chrX:67,686,034, G>C. VCF-style: chrX-67686034-G-C. GRCh37 (hg19) VCF-style: chrX-66905876-G-C.
Other names: c.197G>C, p.Ser66Thr (NM_001011645.3); c.1793G>C, p.Ser598Thr (NM_001348061.1, NM_001348063.1); c.1710G>C, p.Gln570His (NM_001348064.1); short protein forms Q570H, S598T, S66T.
Identifiers: ClinVar variation 988325 (VCV000988325.6), dbSNP rs2075964628, ClinGen allele CA413429177.

ClinVar aggregate classification (germline): Conflicting classifications of pathogenicity. Review status: criteria provided, conflicting classifications (1 of 4 stars). 2 submissions from 2 submitters: Likely pathogenic (1); Uncertain significance (1). Last evaluated 2025-07-09.

Conditions:
Androgen resistance syndrome (AIS). Also called: ANDROGEN RECEPTOR DEFICIENCY; Androgen insensitivity syndrome; Androgen insensitivity, complete; Androgen insensitivity; DIHYDROTESTOSTERONE RECEPTOR DEFICIENCY; TESTICULAR FEMINIZATION SYNDROME. Identifiers: Orphanet 754, Orphanet 99429, MedGen C0039585, MONDO:0019154, OMIM 300068. Disease mechanism: loss of function.
Kennedy disease (SMAX1). Also called: SPINAL AND BULBAR MUSCULAR ATROPHY, X-LINKED 1; KENNEDY SPINAL AND BULBAR MUSCULAR ATROPHY; Spinal and Bulbar Muscular Atrophy. Identifiers: Orphanet 481, MedGen C1839259, MONDO:0010735, OMIM 313200.

Submissions (2):

Labcorp Genetics (formerly Invitae), Labcorp
Classification: Uncertain significance for Kennedy disease; Androgen resistance syndrome. Last evaluated: 2025-07-09. Review status: criteria provided, single submitter. Criteria: Invitae Variant Classification Sherloc (09022015). Collection method: clinical testing. Allele origin: germline.
Comment: This sequence change replaces serine, which is neutral and polar, with threonine, which is neutral and polar, at codon 598 of the AR protein (p.Ser598Thr). This variant is not present in population databases (gnomAD no frequency). This missense change has been observed in individual(s) with hypospadias combined with cryptorchidism (PMID: 10092153). ClinVar contains an entry for this variant (Variation ID: 988325). Invitae Evidence Modeling of protein sequence and biophysical properties (such as structural, functional, and spatial information, amino acid conservation, physicochemical variation, residue mobility, and thermodynamic stability) has been performed for this missense variant. However, the output from this modeling did not meet the statistical confidence thresholds required to predict the impact of this variant on AR protein function. In summary, the available evidence is currently insufficient to determine the role of this variant in disease. Therefore, it has been classified as a Variant of Uncertain Significance.

Clinical Genetics and Genomics, Karolinska University Hospital
Classification: Likely pathogenic. Last evaluated: 2018-02-15. Review status: criteria provided, single submitter. Criteria: ACMG Guidelines, 2015. Collection method: clinical testing. Allele origin: germline. Affected: yes. Observed: 2 variant alleles.

Literature cited by the submitters: PubMed 10092153 (cited by Labcorp Genetics (formerly Invitae), Labcorp).